The following is an entry in ClinVar:

ClinVar aggregate classification (germline): Uncertain significance (1 of 4 stars; one submission).

Conditions:
Inborn genetic diseases. Identifiers: MedGen C0950123, MeSH D030342.

Allele frequency attached by ClinVar (database versions not stated): gnomAD exomes below 0.00001.
gnomAD v4.1: 2 of 1,614,208 alleles (0.00012%); highest among the groups gnomAD compares: Admixed American, 0.0017%; no homozygotes.

Submission:

Ambry Genetics
Classification: Uncertain significance for Inborn genetic diseases. Last evaluated: 2017-06-23. Review status: criteria provided, single submitter. Criteria: Ambry Variant Classification Scheme 2023. Collection method: clinical testing. Allele origin: germline.
Comment: The p.E990Q variant (also known as c.2968G>C), located in coding exon 18 of the POGZ gene, results from a G to C substitution at nucleotide position 2968. The glutamic acid at codon 990 is replaced by glutamine, an amino acid with highly similar properties. This amino acid position is not well conserved in available vertebrate species, and glutamine is the reference amino acid in other vertebrate species. In addition, this alteration is predicted to be tolerated by in silico analysis. Since supporting evidence is limited at this time, the clinical significance of this alteration remains unclear.

NM_015100.4(POGZ):c.2968G>C (p.Glu990Gln)

Gene: POGZ (pogo transposable element derived with ZNF domain; minus strand). Cytogenetic location: 1q21.3.
Variant type: single nucleotide variant.
Coding change: c.2968G>C on transcript NM_015100.4 (MANE Select); coding-DNA position 2968, G replaced by C.
Protein change: p.Glu990Gln; replaces glutamic acid 990 with glutamine.
Molecular consequence: missense variant.
Genome position (GRCh38, 1-based): chr1:151,406,067, C>G on the plus strand (G>C on the coding strand, the complement: POGZ is on the minus strand). VCF-style: chr1-151406067-C-G. GRCh37 (hg19) VCF-style: chr1-151378543-C-G.
Other names: c.2941G>C, p.Glu981Gln (NM_001194937.2); c.2782G>C, p.Glu928Gln (NM_001194938.2); c.2989G>C, p.Glu997Gln (NM_001410860.1); c.2683G>C, p.Glu895Gln (NM_145796.4); c.2809G>C, p.Glu937Gln (NM_207171.2); short protein forms E937Q, E981Q, E997Q, E895Q, E928Q, E990Q.
Identifiers: ClinVar variation 1798243 (VCV001798243.2), dbSNP rs1186454948, ClinGen allele CA341947126.